The following is an entry in ClinVar:

NM_001290043.2(TAP2):c.1099T>C (p.Trp367Arg)

Gene: TAP2 (transporter 2, ATP binding cassette subfamily B member; minus strand). Cytogenetic location: 6p21.32.
Variant type: single nucleotide variant.
Coding change: c.1099T>C on transcript NM_001290043.2 (MANE Select); coding-DNA position 1099, T replaced by C.
Protein change: p.Trp367Arg; replaces tryptophan 367 with arginine.
Molecular consequence: missense variant.
Genome position (GRCh38, 1-based): chr6:32,832,671, A>G on the plus strand (T>C on the coding strand, the complement: TAP2 is on the minus strand). VCF-style: chr6-32832671-A-G. GRCh37 (hg19) VCF-style: chr6-32800448-A-G.
Other names: c.1099T>C, p.Trp367Arg (NM_000544.3, NM_018833.3); short protein forms W367R.
Identifiers: ClinVar variation 1901553 (VCV001901553.5), dbSNP rs564710736, ClinGen allele CA136999858.

ClinVar aggregate classification (germline): Uncertain significance (1 of 4 stars; one submission).

Conditions:
MHC class I deficiency. Identifiers: Orphanet 34592, MedGen C6024714, MONDO:0011476.

Allele frequency attached by ClinVar (database versions not stated): gnomAD exomes below 0.00001; TOPMed below 0.00001.
gnomAD v4.1: 2 of 1,613,104 alleles (0.00012%); highest among the groups gnomAD compares: Non-Finnish European, 0.00017%; no homozygotes.

Submission:

Labcorp Genetics (formerly Invitae), Labcorp
Classification: Uncertain significance for MHC class I deficiency 1. Last evaluated: 2022-01-28. Review status: criteria provided, single submitter. Criteria: Invitae Variant Classification Sherloc (09022015). Collection method: clinical testing. Allele origin: germline.
Comment: In summary, the available evidence is currently insufficient to determine the role of this variant in disease. Therefore, it has been classified as a Variant of Uncertain Significance. Algorithms developed to predict the effect of missense changes on protein structure and function are either unavailable or do not agree on the potential impact of this missense change (SIFT: "Deleterious"; PolyPhen-2: "Not Available"; Align-GVGD: "Class C0"). This variant has not been reported in the literature in individuals affected with TAP2-related conditions. This variant is not present in population databases (gnomAD no frequency). This sequence change replaces tryptophan, which is neutral and slightly polar, with arginine, which is basic and polar, at codon 367 of the TAP2 protein (p.Trp367Arg).